The following is an entry in ClinVar:

ClinVar aggregate classification (germline): Uncertain significance. Review status: criteria provided, multiple submitters, no conflicts (2 of 4 stars). 2 submissions from 2 submitters: Uncertain significance (2). Last evaluated 2025-11-07.

Allele frequency attached by ClinVar (database versions not stated): gnomAD exomes 0.00001; TOPMed 0.00001.
gnomAD v4.1: 12 of 1,555,480 alleles (0.00077%); highest among the groups gnomAD compares: Non-Finnish European, 0.00095%; no homozygotes.

Submissions (2):

Ambry Genetics
Classification: Uncertain significance. Last evaluated: 2025-11-07. Review status: criteria provided, single submitter. Criteria: Ambry Variant Classification Scheme 2023. Collection method: clinical testing. Allele origin: germline.

Labcorp Genetics (formerly Invitae), Labcorp
Classification: Uncertain significance. Last evaluated: 2023-06-02. Review status: criteria provided, single submitter. Criteria: Invitae Variant Classification Sherloc (09022015). Collection method: clinical testing. Allele origin: germline.
Comment: In summary, the available evidence is currently insufficient to determine the role of this variant in disease. Therefore, it has been classified as a Variant of Uncertain Significance. An algorithm developed to predict the effect of missense changes on protein structure and function (PolyPhen-2) suggests that this variant is likely to be disruptive. ClinVar contains an entry for this variant (Variation ID: 1945098). This variant has not been reported in the literature in individuals affected with POLE2-related conditions. This variant is not present in population databases (gnomAD no frequency). This sequence change replaces arginine, which is basic and polar, with tryptophan, which is neutral and slightly polar, at codon 17 of the POLE2 protein (p.Arg17Trp).

NM_002692.4(POLE2):c.49C>T (p.Arg17Trp)

Gene: POLE2 (DNA polymerase epsilon 2, accessory subunit; minus strand). Cytogenetic location: 14q21.3.
Variant type: single nucleotide variant.
Coding change: c.49C>T on transcript NM_002692.4 (MANE Select); coding-DNA position 49, C replaced by T.
Protein change: p.Arg17Trp; replaces arginine 17 with tryptophan.
Molecular consequence: missense variant. On other transcripts: 5 prime UTR variant (1).
Genome position (GRCh38, 1-based): chr14:49,688,155, G>A on the plus strand (C>T on the coding strand, the complement: POLE2 is on the minus strand). VCF-style: chr14-49688155-G-A. GRCh37 (hg19) VCF-style: chr14-50154873-G-A.
Other names: c.49C>T (NM_002692.3); c.49C>T, p.Arg17Trp (NM_001197330.2, NM_001197331.3, NM_001348384.2); c.-187C>T (NM_001348385.2); short protein forms R17W.
Identifiers: ClinVar variation 1945098 (VCV001945098.6), dbSNP rs868116870, ClinGen allele CA260664261.